The following is an entry in ClinVar:

NM_000256.3(MYBPC3):c.1786G>A (p.Gly596Arg)

Gene: MYBPC3 (myosin binding protein C3; minus strand). Cytogenetic location: 11p11.2.
Variant type: single nucleotide variant.
Coding change: c.1786G>A on transcript NM_000256.3 (MANE Select); coding-DNA position 1786, G replaced by A.
Protein change: p.Gly596Arg; replaces glycine 596 with arginine.
Molecular consequence: missense variant.
Genome position (GRCh38, 1-based): chr11:47,341,995, C>T on the plus strand (G>A on the coding strand, the complement: MYBPC3 is on the minus strand). VCF-style: chr11-47341995-C-T. GRCh37 (hg19) VCF-style: chr11-47363546-C-T.
Other names: p.G596R:GGG>AGG; short protein forms G596R.
Identifiers: ClinVar variation 42566 (VCV000042566.44), dbSNP rs199728019, ClinGen allele CA011102.

ClinVar aggregate classification (germline): Conflicting classifications of pathogenicity. Review status: criteria provided, conflicting classifications (1 of 4 stars). 12 submissions from 11 submitters: Uncertain significance (8); Benign (1); Likely benign (3). Last evaluated 2026-09-13.

Conditions:
Cardiovascular phenotype. Identifiers: MedGen CN230736.
Left ventricular noncompaction 10 (LVNC10). Identifiers: Orphanet 154, Orphanet 54260, MedGen C3715165, MONDO:0014163, OMIM 615396.
Cardiomyopathy (CMYO). Also called: Cardiomyopathies. Identifiers: Orphanet 167848, MedGen C0878544, MONDO:0004994, HP:0001638. Inheritance: Various modes of inheritance.
Hypertrophic cardiomyopathy 4. Also called: Familial hypertrophic cardiomyopathy 4. Identifiers: MedGen C1861862, MONDO:0007268, OMIM 115197.
Hypertrophic cardiomyopathy. Also called: HYPERTROPHIC MYOCARDIOPATHY. Identifiers: Orphanet 217569, MedGen C0007194, MeSH D002312, MONDO:0005045, HP:0001639.

Allele frequency attached by ClinVar (database versions not stated): gnomAD 0.00007; gnomAD exomes 0.00012; ESP Exome Variant Server 0.00008; ExAC 0.00026; TOPMed 0.00011.
gnomAD v4.1: 75 of 1,561,638 alleles (0.0048%); highest among the groups gnomAD compares: Admixed American, 0.012%; no homozygotes.

Submissions (12):

GeneDx
Classification: Uncertain significance. Last evaluated: 2026-09-13. Review status: criteria provided, single submitter. Criteria: GeneDx Variant Classification Process June 2021. Collection method: clinical testing. Allele origin: germline.
Comment: Reported in several unrelated individuals with HCM, a pediatric patient with cardiomyopathy (unspecified type), and one adult individual with unexplained sudden death in the published literature (Chung et al. (2007) Progress In Pediatric Cardiology 23 :33-38; PMID: 21511876, 25611685, 25351510, 28166282, 40225148); Functional studies suggest p.(G596R) appears to shift the balance of MYBPC3 interaction from actin to myosin (PMID: 38042491); In silico analysis supports that this missense variant has a deleterious effect on protein structure/function; This variant is associated with the following publications: (PMID: 25611685, 25351510, 28166282, 28518168, 25558701, 32746448, 16267253, 27930701, 33495597, 32841044, 35130036, 37652022, 32461654, 21511876, 40225148, 38042491, 40928276)

Labcorp Genetics (formerly Invitae), Labcorp
Classification: Likely benign for Hypertrophic cardiomyopathy. Last evaluated: 2026-01-31. Review status: criteria provided, single submitter. Criteria: Invitae Variant Classification Sherloc (09022015). Collection method: clinical testing. Allele origin: germline.

Color Diagnostics, LLC DBA Color Health
Classification: Likely benign for Cardiomyopathy. Last evaluated: 2025-04-14. Review status: criteria provided, single submitter. Criteria: ACMG Guidelines, 2015. Collection method: clinical testing. Allele origin: germline.
Comment: This missense variant replaces glycine with arginine at codon 596 of the MYBPC3 protein. Computational prediction tools indicate that this variant has a deleterious impact on protein structure and function. An in vitro functional study has shown that this variant may cause a mild decrease in protein stability (PMID: 38042491); the clinical relevance of this observation is not known. This variant has been reported in several individuals affected with hypertrophic cardiomyopathy (PMID: 21511876, 25351510, 25558701), dilated cardiomyopathy (PMID: 32746448), or sudden death (PMID: 27930701). This variant has been identified in 21/203560 chromosomes in the general population by the Genome Aggregation Database (gnomAD). Although the elevated allele frequency in the general population suggests that this variant may not be disease-causing, additional studies are necessary to determine the role of this variant in disease conclusively. Therefore, this variant is classified as a Variant of Uncertain Significance.

All of Us Research Program, National Institutes of Health
Classification: Uncertain significance for Hypertrophic cardiomyopathy. Last evaluated: 2024-09-23. Review status: criteria provided, single submitter. Criteria: ACMG Guidelines, 2015. Collection method: clinical testing. Allele origin: germline. Inheritance: Autosomal dominant inheritance. Observed: 40 variant alleles, 40 heterozygotes.
Comment: This missense variant replaces glycine with arginine at codon 596 of the MYBPC3 protein. Computational prediction suggests that this variant may have deleterious impact on protein structure and function (internally defined REVEL score threshold >= 0.7, PMID: 27666373). To our knowledge, functional studies have not been reported for this variant. This variant has been reported in several individuals affected with hypertrophic cardiomyopathy (PMID: 21511876, 25351510, 25558701), dilated cardiomyopathy (PMID: 32746448), or sudden death (PMID: 27930701). This variant has also been identified in 21/203560 chromosomes (14/9070 Ashkenazi Jewish chromosomes) in the general population by the Genome Aggregation Database (gnomAD). Although the elevated allele frequency in the general population suggests that this variant may not be disease-causing, additional studies are necessary to determine the role of this variant in disease conclusively. Therefore, this variant is classified as a Variant of Uncertain Significance.

This study involves interpretation of variants in research participants for the purpose of population health screening. Participant phenotype was not available at the time of variant classification. Additional details can be found in publication PMID: 35346344, PMCID: PMC8962531

Ambry Genetics
Classification: Likely benign for Cardiovascular phenotype. Last evaluated: 2024-05-14. Review status: criteria provided, single submitter. Criteria: Ambry Variant Classification Scheme 2023. Collection method: clinical testing. Allele origin: germline.

Servicio Canario de Salud, Hospital Universitario Nuestra Sra. de Candelaria
Classification: Uncertain significance for Left ventricular noncompaction 10. Last evaluated: 2022-12-07. Review status: criteria provided, single submitter. Criteria: ACMG Guidelines, 2015. Collection method: clinical testing. Allele origin: germline. Inheritance: Autosomal dominant inheritance. Affected: yes. Observed: 1 heterozygote.
Comment: This variant has been reported in several individuals affected with hypertrophic cardiomyopathy (PMID: 21511876, 25351510, 25558701). This variant is present in population databases (gnomAD allele frequency 0.0001032). ClinVar contains an entry for this variant (Variation ID: 42566). In silico analysis (CADD, PolyPhen-2, MutationTaster, SIFT y Provean) supports that this missense variant has a deleterious effect on protein structure/function, but this prediction has not been confirmed by functional studies. In summary, the available evidence for c.1054A>G (p.Arg352Gly) TP63 variant is currently insufficient to determine the role of this variant in disease. Therefore, it has been classified as a Variant of Uncertain Significance.

Mayo Clinic Laboratories, Mayo Clinic
Classification: Uncertain significance. Last evaluated: 2020-12-29. Review status: criteria provided, single submitter. Criteria: ACMG Guidelines, 2015. Collection method: clinical testing. Allele origin: germline. Observed: 1 variant allele.

Illumina Laboratory Services, Illumina
Classification: Benign for Left ventricular noncompaction 10. Last evaluated: 2019-04-19. Review status: criteria provided, single submitter. Criteria: ICSL Variant Classification Criteria 13 December 2019. Collection method: clinical testing. Allele origin: germline.
Comment: This variant was observed as part of a predisposition screen in an ostensibly healthy population. A literature search was performed for the gene, cDNA change, and amino acid change (where applicable). No publications were found based on this search. Allele frequency data from public databases was too high to be consistent with this variant causing disease. Therefore, this variant is classified as benign.

Illumina Laboratory Services, Illumina
Classification: Uncertain significance for Hypertrophic cardiomyopathy 4. Last evaluated: 2019-04-19. Review status: criteria provided, single submitter. Criteria: ICSL Variant Classification Criteria 13 December 2019. Collection method: clinical testing. Allele origin: germline.
Comment: This variant was observed as part of a predisposition screen in an ostensibly healthy population. A literature search was performed for the gene, cDNA change, and amino acid change (where applicable). Publications were found based on this search. However, the evidence from the literature, in combination with allele frequency data from public databases where available, was not sufficient to rule this variant in or out of causing disease. Therefore, this variant is classified as a variant of unknown significance.

CHEO Genetics Diagnostic Laboratory, Children's Hospital of Eastern Ontario
Classification: Uncertain significance for Cardiomyopathy. Last evaluated: 2018-05-30. Review status: criteria provided, single submitter. Criteria: ACMG Guidelines, 2015. Collection method: clinical testing. Allele origin: germline.

Laboratory for Molecular Medicine, Mass General Brigham Personalized Medicine
Classification: Uncertain significance. Last evaluated: 2018-04-10. Review status: criteria provided, single submitter. Criteria: LMM Criteria. Collection method: clinical testing. Allele origin: germline. Observed: 14 variant alleles.
Comment: proposed classification - variant undergoing re-assessment, contact laboratory

Stanford Center for Inherited Cardiovascular Disease, Stanford University
Classification: Uncertain significance. Last evaluated: 2013-01-21. Review status: criteria provided, single submitter. Criteria: ACMG Guidelines, 2015. Collection method: provider interpretation. Allele origin: germline.

Literature cited by the submitters: PubMed 21511876 (cited by 5 submitters); PubMed 25351510 (cited by 3 submitters); PubMed 25558701 (cited by 3 submitters); PubMed 27930701 (cited by 3 submitters); PubMed 32746448 (cited by Color Diagnostics, LLC DBA Color Health and All of Us Research Program, National Institutes of Health); PubMed 38042491 (cited by Color Diagnostics, LLC DBA Color Health); PubMed 28518168 (cited by Ambry Genetics); PubMed 32461654 (cited by Ambry Genetics); PubMed 16267253 (cited by Illumina Laboratory Services, Illumina).